The following is an entry in ClinVar:

ClinVar aggregate classification (germline): Uncertain significance (1 of 4 stars; one submission).

Conditions:
Epidermodysplasia verruciformis. Identifiers: Orphanet 302, MedGen C0014522, MONDO:0009176.

Submission:

Labcorp Genetics (formerly Invitae), Labcorp
Classification: Uncertain significance for Epidermodysplasia verruciformis. Last evaluated: 2022-03-19. Review status: criteria provided, single submitter. Criteria: Invitae Variant Classification Sherloc (09022015). Collection method: clinical testing. Allele origin: germline.
Comment: This variant, c.8_10dup, results in the insertion of 1 amino acid(s) of the TMC8 protein (p.Leu3dup), but otherwise preserves the integrity of the reading frame. This variant is present in population databases (no rsID available, gnomAD 0.002%). This variant has not been reported in the literature in individuals affected with TMC8-related conditions. ClinVar contains an entry for this variant (Variation ID: 583090). Experimental studies and prediction algorithms are not available or were not evaluated, and the functional significance of this variant is currently unknown. In summary, the available evidence is currently insufficient to determine the role of this variant in disease. Therefore, it has been classified as a Variant of Uncertain Significance.

NM_152468.5(TMC8):c.2TGC[4] (p.Leu3_Pro4insLeu)

Genes: TMC6 (transmembrane channel like 6; minus strand), TMC8 (transmembrane channel like 8; plus strand), LOC130061792 (ATAC-STARR-seq lymphoblastoid silent region 9043; plus strand). Cytogenetic location: 17q25.3.
Variant type: Microsatellite.
Coding change: c.2TGC[4] on transcript NM_152468.5 (MANE Select); four copies in a row of the 3-base unit TGC starting at c.2; the reference has three copies in a row; one copy, 3 bases duplicated; also written c.8_10dup.
Protein change: p.Leu3_Pro4insLeu.
Molecular consequence: inframe insertion, initiator codon variant. On other transcripts: intron variant (1), inframe indel (1).
Genome position (GRCh38, 1-based): chr17:78,131,596-78,131,598, TGC duplicated; duplicating any 3 consecutive bases within chr17:78,131,590-78,131,598 gives the same sequence; the position shown is the placement nearest the transcript's 3' end. VCF-style (leftmost placement, unchanged base first): chr17-78131589-A-ATGC. GRCh37 (hg19) VCF-style: chr17-76127670-A-ATGC.
Other names: c.-75+743GCA[4] (NM_007267.7); c.8_10dup (NM_152468.4).
Identifiers: ClinVar variation 583090 (VCV000583090.11), dbSNP rs1259899112, ClinGen allele CA628013739.